The following is an entry in ClinVar:

NM_021803.4(IL21):c.53T>C (p.Ile18Thr)

Genes: IL21 (interleukin 21; minus strand), IL21-AS1 (IL21 antisense RNA 1; plus strand), LOC126807147 (CDK7 strongly-dependent group 2 enhancer GRCh37_chr4:123541308-123542507; plus strand). Cytogenetic location: 4q27.
Variant type: single nucleotide variant.
Coding change: c.53T>C on transcript NM_021803.4 (MANE Select); coding-DNA position 53, T replaced by C.
Protein change: p.Ile18Thr; replaces isoleucine 18 with threonine.
Molecular consequence: missense variant. On other transcripts: non-coding transcript variant (1).
Genome position (GRCh38, 1-based): chr4:122,620,959, A>G on the plus strand (T>C on the coding strand, the complement: IL21 is on the minus strand). VCF-style: chr4-122620959-A-G. GRCh37 (hg19) VCF-style: chr4-123542114-A-G.
Other names: c.53T>C, p.Ile18Thr (NM_001207006.3); short protein forms I18T.
Identifiers: ClinVar variation 2806976 (VCV002806976.3), dbSNP rs1367374232, ClinGen allele CA358221846.

ClinVar aggregate classification (germline): Uncertain significance (1 of 4 stars; one submission).

Allele frequency attached by ClinVar (database versions not stated): TOPMed below 0.00001; gnomAD 0.00001.
gnomAD v4.1: 1 of 1,613,920 alleles (0.000062%); highest among the groups gnomAD compares: Non-Finnish European, 0.000085%; no homozygotes.

Submission:

Labcorp Genetics (formerly Invitae), Labcorp
Classification: Uncertain significance. Last evaluated: 2023-08-27. Review status: criteria provided, single submitter. Criteria: Invitae Variant Classification Sherloc (09022015). Collection method: clinical testing. Allele origin: germline.
Comment: This sequence change replaces isoleucine, which is neutral and non-polar, with threonine, which is neutral and polar, at codon 18 of the IL21 protein (p.Ile18Thr). This variant is not present in population databases (gnomAD no frequency). This variant has not been reported in the literature in individuals affected with IL21-related conditions. An algorithm developed to predict the effect of missense changes on protein structure and function (PolyPhen-2) suggests that this variant is likely to be disruptive. In summary, the available evidence is currently insufficient to determine the role of this variant in disease. Therefore, it has been classified as a Variant of Uncertain Significance.